The following is an entry in ClinVar:

ClinVar aggregate classification (germline): Conflicting classifications of pathogenicity. Review status: criteria provided, conflicting classifications (1 of 4 stars). 6 submissions from 6 submitters: Uncertain significance (3); Likely benign (3). Last evaluated 2025-05-12.

Conditions:
COL4A2-related disorder. Also called: COL4A2-related disorders; COL4A2-related condition.
Inborn genetic diseases. Identifiers: MedGen C0950123, MeSH D030342.
Brain small vessel disease 2A, autosomal dominant. Also called: Porencephaly 2. Identifiers: Orphanet 2940, Orphanet 99810, MedGen C3280970, MONDO:0013773, OMIM 614483.

Allele frequency attached by ClinVar (database versions not stated): ExAC 0.00006; ESP Exome Variant Server 0.00008; gnomAD exomes 0.00009 and 0.00018; TOPMed 0.00028; gnomAD 0.00039 and 0.00042.
gnomAD v4.1: 194 of 1,608,062 alleles (0.012%); highest among the groups gnomAD compares: Admixed American, 0.13%; no homozygotes.

Submissions (6):

PreventionGenetics, part of Exact Sciences
Classification: Likely benign for COL4A2-related condition. Last evaluated: 2025-05-12. Review status: criteria provided, single submitter. Criteria: ACMG Guidelines, 2015. Collection method: clinical testing. Allele origin: germline.
Comment: This variant is classified as likely benign based on ACMG/AMP sequence variant interpretation guidelines (Richards et al. 2015 PMID: 25741868, with internal and published modifications).

GeneDx
Classification: Uncertain significance. Last evaluated: 2025-03-03. Review status: criteria provided, single submitter. Criteria: GeneDx Variant Classification Process June 2021. Collection method: clinical testing. Allele origin: germline. Affected: yes.
Comment: In silico analysis supports that this missense variant has a deleterious effect on protein structure/function; Has not been previously published as pathogenic or benign to our knowledge

Ambry Genetics
Classification: Likely benign for Inborn genetic diseases. Last evaluated: 2024-09-27. Review status: criteria provided, single submitter. Criteria: Ambry Variant Classification Scheme 2023. Collection method: clinical testing. Allele origin: germline.

CeGaT Center for Human Genetics Tuebingen
Classification: Likely benign. Last evaluated: 2024-07-01. Review status: criteria provided, single submitter. Criteria: CeGaT Center For Human Genetics Tuebingen Variant Classification Criteria Version 2. Collection method: clinical testing. Allele origin: germline. Affected: yes. Observed: 1 variant allele.
Comment: COL4A2: BS1

Revvity Omics, Revvity
Classification: Uncertain significance for Brain small vessel disease 2A, autosomal dominant. Last evaluated: 2022-05-05. Review status: criteria provided, single submitter. Criteria: ACMG Guidelines, 2015. Collection method: clinical testing. Allele origin: germline.

Centre for Mendelian Genomics, University Medical Centre Ljubljana
Classification: Uncertain significance for Brain small vessel disease 2A, autosomal dominant. Last evaluated: 2019-08-16. Review status: criteria provided, single submitter. Criteria: ACMG Guidelines, 2015. Collection method: clinical testing. Allele origin: unknown. Affected: yes.
Comment: This variant was classified as: Uncertain significance. The available evidence on this variant's pathogenicity is insufficient or conflicting. The following ACMG criteria were applied in classifying this variant: BS2.

NM_001846.4(COL4A2):c.1412G>A (p.Arg471His)

Genes: COL4A2 (collagen type IV alpha 2 chain; plus strand), COL4A2-AS2 (COL4A2 antisense RNA 2; minus strand). Cytogenetic location: 13q34.
Variant type: single nucleotide variant.
Coding change: c.1412G>A on transcript NM_001846.4 (MANE Select); coding-DNA position 1412, G replaced by A.
Protein change: p.Arg471His; replaces arginine 471 with histidine.
Molecular consequence: missense variant.
Genome position (GRCh38, 1-based): chr13:110,457,415, G>A. VCF-style: chr13-110457415-G-A. GRCh37 (hg19) VCF-style: chr13-111109762-G-A.
Other names: c.1412G>A (NM_001846.3); short protein forms R471H.
Identifiers: ClinVar variation 931182 (VCV000931182.25), dbSNP rs372173405, ClinGen allele CA7049512.
Genomic context (GRCh38, chr13:110,457,415, plus strand): 5'-GGCTGAAAGGAGCAAAAGGAAGAGCAGGCTTCCCTGGGCTTCCCGGCTCCCCTGGAGCCC[G>A]CGGACCAAAGGGGTGGAAAGGTAAGAACATCTGGGAGGGACGGGATGAGGACAGCCTGGC-3'
Protein context (NP_001837.2, residues 461-481): FPGLPGSPGA[Arg471His]GPKGWKGDAG